The following is an entry in ClinVar:

ClinVar aggregate classification (germline): Conflicting classifications of pathogenicity. Review status: criteria provided, conflicting classifications (1 of 4 stars). 2 submissions from 2 submitters: Uncertain significance (1); Likely benign (1). Last evaluated 2025-03-14.

Conditions:
Dyskeratosis congenita, autosomal recessive 5 (DKCB5). Identifiers: MedGen C3554656, MONDO:0014076, OMIM 615190.
Pulmonary fibrosis and/or bone marrow failure, Telomere-related, 3. Also called: PULMONARY FIBROSIS AND/OR BONE MARROW FAILURE SYNDROME, TELOMERE-RELATED, 3. Identifiers: Orphanet 2032, MedGen C4225346, MONDO:0014613, OMIM 616373.
Inborn genetic diseases. Identifiers: MedGen C0950123, MeSH D030342.

Submissions (2):

Ambry Genetics
Classification: Likely benign for Inborn genetic diseases. Last evaluated: 2025-03-14. Review status: criteria provided, single submitter. Criteria: Ambry Variant Classification Scheme 2023. Collection method: clinical testing. Allele origin: germline.

Labcorp Genetics (formerly Invitae), Labcorp
Classification: Uncertain significance for Dyskeratosis congenita, autosomal recessive 5; Pulmonary fibrosis and/or bone marrow failure, Telomere-related, 3. Last evaluated: 2024-07-22. Review status: criteria provided, single submitter. Criteria: Invitae Variant Classification Sherloc (09022015). Collection method: clinical testing. Allele origin: germline.
Comment: This sequence change replaces leucine, which is neutral and non-polar, with phenylalanine, which is neutral and non-polar, at codon 1092 of the RTEL1 protein (p.Leu1092Phe). This variant is present in population databases (no rsID available, gnomAD 0.007%). This variant has not been reported in the literature in individuals affected with RTEL1-related conditions. An algorithm developed to predict the effect of missense changes on protein structure and function outputs the following: PolyPhen-2: "Benign". The phenylalanine amino acid residue is found in multiple mammalian species, which suggests that this missense change does not adversely affect protein function. In summary, the available evidence is currently insufficient to determine the role of this variant in disease. Therefore, it has been classified as a Variant of Uncertain Significance.

NM_001283009.2(RTEL1):c.3274C>T (p.Leu1092Phe)

Genes: RTEL1 (regulator of telomere elongation helicase 1; plus strand), RTEL1-TNFRSF6B (RTEL1-TNFRSF6B readthrough (NMD candidate); plus strand). Cytogenetic location: 20q13.33.
Variant type: single nucleotide variant.
Coding change: c.3274C>T on transcript NM_001283009.2 (MANE Select); coding-DNA position 3274, C replaced by T.
Protein change: p.Leu1092Phe; replaces leucine 1092 with phenylalanine.
Molecular consequence: missense variant. On other transcripts: non-coding transcript variant (1).
Genome position (GRCh38, 1-based): chr20:63,694,905, C>T. VCF-style: chr20-63694905-C-T. GRCh37 (hg19) VCF-style: chr20-62326258-C-T.
Other names: c.2605C>T, p.Leu869Phe (NM_001283010.1); c.3274C>T, p.Leu1092Phe (NM_016434.4); c.3346C>T, p.Leu1116Phe (NM_032957.5); short protein forms L1092F, L1116F, L869F.
Identifiers: ClinVar variation 3761083 (VCV003761083.3).